The following is an entry in ClinVar:

NM_001148.6(ANK2):c.11636C>T (p.Pro3879Leu)

Gene: ANK2 (ankyrin 2; plus strand). Cytogenetic location: 4q26.
Variant type: single nucleotide variant.
Coding change: c.11636C>T on transcript NM_001148.6 (MANE Select); coding-DNA position 11636, C replaced by T.
Protein change: p.Pro3879Leu; replaces proline 3879 with leucine.
Molecular consequence: missense variant. On other transcripts: intron variant (1).
Genome position (GRCh38, 1-based): chr4:113,373,115, C>T. VCF-style: chr4-113373115-C-T. GRCh37 (hg19) VCF-style: chr4-114294271-C-T.
Other names: c.5354C>T, p.Pro1785Leu (NM_001127493.3); c.5393C>T, p.Pro1798Leu (NM_001354225.2); c.5375C>T, p.Pro1792Leu (NM_001354228.2); c.5360C>T, p.Pro1787Leu (NM_001354230.2); c.5516C>T, p.Pro1839Leu (NM_001354231.2); c.5510C>T, p.Pro1837Leu (NM_001354232.2); c.5471C>T, p.Pro1824Leu (NM_001354235.2); c.5279C>T, p.Pro1760Leu (NM_001354236.2); and 44 more; short protein forms P1666L, P1719L, P1728L, P1739L, P1751L, P1752L, P1777L, P1789L.
Identifiers: ClinVar variation 1737414 (VCV001737414.4), dbSNP rs1022217255, ClinGen allele CA103826978.

ClinVar aggregate classification (germline): Uncertain significance. Review status: criteria provided, multiple submitters, no conflicts (2 of 4 stars). 2 submissions from 2 submitters: Uncertain significance (2). Last evaluated 2025-05-05.

Conditions:
Long QT syndrome (LQTS). Identifiers: MedGen C0023976, MeSH D008133, MONDO:0002442. Disease mechanism: loss of function. Inheritance: Various modes of inheritance.
Cardiovascular phenotype. Identifiers: MedGen CN230736.

Allele frequency attached by ClinVar (database versions not stated): gnomAD exomes below 0.00001; gnomAD 0.00001; TOPMed 0.00001.
gnomAD v4.1: 7 of 1,613,976 alleles (0.00043%); highest among the groups gnomAD compares: Middle Eastern, 0.016%; no homozygotes.

Submissions (2):

Labcorp Genetics (formerly Invitae), Labcorp
Classification: Uncertain significance for Long QT syndrome. Last evaluated: 2025-05-05. Review status: criteria provided, single submitter. Criteria: Invitae Variant Classification Sherloc (09022015). Collection method: clinical testing. Allele origin: germline.
Comment: This sequence change replaces proline, which is neutral and non-polar, with leucine, which is neutral and non-polar, at codon 3879 of the ANK2 protein (p.Pro3879Leu). This variant is not present in population databases (gnomAD no frequency). This variant has not been reported in the literature in individuals affected with ANK2-related conditions. ClinVar contains an entry for this variant (Variation ID: 1737414). An algorithm developed to predict the effect of missense changes on protein structure and function (PolyPhen-2) suggests that this variant is likely to be disruptive. In summary, the available evidence is currently insufficient to determine the role of this variant in disease. Therefore, it has been classified as a Variant of Uncertain Significance.

Ambry Genetics
Classification: Uncertain significance for Cardiovascular phenotype. Last evaluated: 2023-06-19. Review status: criteria provided, single submitter. Criteria: Ambry Variant Classification Scheme 2023. Collection method: clinical testing. Allele origin: germline.
Comment: The p.P3879L variant (also known as c.11636C>T), located in coding exon 44 of the ANK2 gene, results from a C to T substitution at nucleotide position 11636. The proline at codon 3879 is replaced by leucine, an amino acid with similar properties. This amino acid position is well conserved in available vertebrate species. In addition, the in silico prediction for this alteration is inconclusive. Since supporting evidence is limited at this time, the clinical significance of this alteration remains unclear.